The following is an entry in ClinVar:

NM_080552.3(SLC32A1):c.836T>C (p.Ile279Thr)

Gene: SLC32A1 (solute carrier family 32 member 1; plus strand). Cytogenetic location: 20q11.23.
Variant type: single nucleotide variant.
Coding change: c.836T>C on transcript NM_080552.3 (MANE Select); coding-DNA position 836, T replaced by C.
Protein change: p.Ile279Thr; replaces isoleucine 279 with threonine.
Molecular consequence: missense variant.
Genome position (GRCh38, 1-based): chr20:38,727,897, T>C. VCF-style: chr20-38727897-T-C. GRCh37 (hg19) VCF-style: chr20-37356540-T-C.
Other names: short protein forms I279T.
Identifiers: ClinVar variation 3769753 (VCV003769753.1).
Genomic context (GRCh38, chr20:38,727,897, plus strand): 5'-ACCTCAAGGCCGTGTCCAAGTTCAGTCTGCTGTGCACTCTGGCCCACTTCGTCATCAATA[T>C]CCTGGTCATAGCCTACTGTCTATCGCGGGCGCGCGACTGGGCCTGGGAGAAGGTCAAGTT-3'
Protein context (NP_542119.1, residues 269-289): LCTLAHFVIN[Ile279Thr]LVIAYCLSRA

ClinVar aggregate classification (germline): Uncertain significance (1 of 4 stars; one submission).

gnomAD v4.1: 1 of 1,614,228 alleles (0.000062%); highest among the groups gnomAD compares: Non-Finnish European, 0.000085%; no homozygotes.

Submission:

GeneDx
Classification: Uncertain significance. Last evaluated: 2024-09-15. Review status: criteria provided, single submitter. Criteria: GeneDx Variant Classification Process June 2021. Collection method: clinical testing. Allele origin: germline. Affected: yes.
Comment: Not observed at significant frequency in large population cohorts (gnomAD); In silico analysis indicates that this missense variant does not alter protein structure/function; Has not been previously published as pathogenic or benign to our knowledge